The following is an entry in ClinVar:

ClinVar aggregate classification (germline): Uncertain significance (1 of 4 stars; one submission).

Conditions:
Familial cancer of breast. Also called: hereditary breast carcinoma; Hereditary breast cancer; BREAST CANCER, FAMILIAL. Identifiers: Orphanet 227535, MedGen C0346153, MONDO:0016419, OMIM 114480. Disease mechanism: loss of function.

Submission:

Labcorp Genetics (formerly Invitae), Labcorp
Classification: Uncertain significance for Familial cancer of breast. Last evaluated: 2021-12-05. Review status: criteria provided, single submitter. Criteria: Invitae Variant Classification Sherloc (09022015). Collection method: clinical testing. Allele origin: germline.
Comment: This sequence change replaces glutamic acid, which is acidic and polar, with lysine, which is basic and polar, at codon 652 of the BARD1 protein (p.Glu652Lys). This variant is not present in population databases (gnomAD no frequency). This variant has not been reported in the literature in individuals affected with BARD1-related conditions. Algorithms developed to predict the effect of missense changes on protein structure and function (SIFT, PolyPhen-2, Align-GVGD) all suggest that this variant is likely to be disruptive. In summary, the available evidence is currently insufficient to determine the role of this variant in disease. Therefore, it has been classified as a Variant of Uncertain Significance.

NM_000465.4(BARD1):c.1954G>A (p.Glu652Lys)

Gene: BARD1 (BRCA1 associated RING domain 1; minus strand). Cytogenetic location: 2q35.
Variant type: single nucleotide variant.
Coding change: c.1954G>A on transcript NM_000465.4 (MANE Select); coding-DNA position 1954, G replaced by A.
Protein change: p.Glu652Lys; replaces glutamic acid 652 with lysine.
Molecular consequence: missense variant. On other transcripts: non-coding transcript variant (3).
Genome position (GRCh38, 1-based): chr2:214,730,458, C>T on the plus strand (G>A on the coding strand, the complement: BARD1 is on the minus strand). VCF-style: chr2-214730458-C-T. GRCh37 (hg19) VCF-style: chr2-215595182-C-T.
Other names: c.1897G>A, p.Glu633Lys (NM_001282543.2); c.601G>A, p.Glu201Lys (NM_001282545.2); c.544G>A, p.Glu182Lys (NM_001282548.2); c.415G>A, p.Glu139Lys (NM_001282549.2); short protein forms E182K, E633K, E139K, E652K, E201K.
Identifiers: ClinVar variation 1355072 (VCV001355072.7), dbSNP rs2105990642, ClinGen allele CA350451166.